The following is an entry in ClinVar:

ClinVar aggregate classification (germline): Uncertain significance. Review status: criteria provided, multiple submitters, no conflicts (2 of 4 stars). 2 submissions from 2 submitters: Uncertain significance (2). Last evaluated 2025-08-09.

Conditions:
GCNT2-related disorder. Also called: GCNT2-related condition.
Inborn genetic diseases. Identifiers: MedGen C0950123, MeSH D030342.

gnomAD v4.1: 23 of 1,613,942 alleles (0.0014%); highest among the groups gnomAD compares: Admixed American, 0.015%; no homozygotes.

Submissions (2):

Ambry Genetics
Classification: Uncertain significance for Inborn genetic diseases. Last evaluated: 2025-08-09. Review status: criteria provided, single submitter. Criteria: Ambry Variant Classification Scheme 2023. Collection method: clinical testing. Allele origin: germline.

PreventionGenetics, part of Exact Sciences
Classification: Uncertain significance for GCNT2-related condition. Last evaluated: 2024-11-09. Review status: criteria provided, single submitter. Criteria: ACMG Guidelines, 2015. Collection method: clinical testing. Allele origin: germline.
Comment: The GCNT2 c.1157C>T variant is predicted to result in the amino acid substitution p.Thr386Ile. To our knowledge, this variant has not been reported in the literature. This variant is reported in 0.011% of alleles in individuals of Latino descent in gnomAD. At this time, the clinical significance of this variant is uncertain due to the absence of conclusive functional and genetic evidence.

NM_145649.5(GCNT2):c.1163C>T (p.Thr388Ile)

Gene: GCNT2 (glucosaminyl (N-acetyl) transferase 2 (I blood group); plus strand). Cytogenetic location: 6p24.2.
Variant type: single nucleotide variant.
Coding change: c.1163C>T on transcript NM_145649.5 (MANE Select); coding-DNA position 1163, C replaced by T.
Protein change: p.Thr388Ile; replaces threonine 388 with isoleucine.
Molecular consequence: missense variant.
Genome position (GRCh38, 1-based): chr6:10,626,561, C>T. VCF-style: chr6-10626561-C-T. GRCh37 (hg19) VCF-style: chr6-10626794-C-T.
Other names: c.1163C>T, p.Thr388Ile (NM_145655.4, NM_001374747.1); c.1157C>T, p.Thr386Ile (NM_001491.3); short protein forms T386I, T388I.
Identifiers: ClinVar variation 4262647 (VCV004262647.2).